The following is an entry in ClinVar:

ClinVar aggregate classification (germline): Likely benign (0 of 4 stars; one submission).

Conditions:
DSG4-related disorder. Also called: DSG4-related condition.

Allele frequency attached by ClinVar (database versions not stated): gnomAD exomes below 0.00001; ExAC 0.00001; TOPMed 0.00002; gnomAD 0.00003.
gnomAD v4.1: 11 of 1,611,992 alleles (0.00068%); highest among the groups gnomAD compares: African/African-American, 0.011%; no homozygotes.

Submission:

PreventionGenetics, part of Exact Sciences
Classification: Likely benign for DSG4-related condition. Last evaluated: 2020-05-21. Review status: no assertion criteria provided. Collection method: clinical testing. Allele origin: germline.
Comment: This variant is classified as likely benign based on ACMG/AMP sequence variant interpretation guidelines (Richards et al. 2015 PMID: 25741868, with internal and published modifications).

NM_177986.5(DSG4):c.2355+8C>T

Genes: DSG1-AS1 (DSG1 antisense RNA 1; minus strand), DSG4 (desmoglein 4; plus strand). Cytogenetic location: 18q12.1.
Variant type: single nucleotide variant.
Coding change: c.2355+8C>T on transcript NM_177986.5 (MANE Select); 8 bases into the intron after coding-DNA position 2355, C replaced by T.
Molecular consequence: intron variant.
Genome position (GRCh38, 1-based): chr18:31,411,456, C>T. VCF-style: chr18-31411456-C-T. GRCh37 (hg19) VCF-style: chr18-28991419-C-T.
Other names: c.2412+8C>T (NM_001134453.3).
Identifiers: ClinVar variation 3036078 (VCV003036078.2), dbSNP rs537452018, ClinGen allele CA8927309.